The following is an entry in ClinVar:

ClinVar aggregate classification (germline): Likely benign (1 of 4 stars; one submission).

Submission:

CeGaT Center for Human Genetics Tuebingen
Classification: Likely benign. Last evaluated: 2026-05-01. Review status: criteria provided, single submitter. Criteria: CeGaT Center For Human Genetics Tuebingen Variant Classification Criteria Version 2. Collection method: clinical testing. Allele origin: germline. Affected: yes. Observed: 1 variant allele.
Comment: RHOBTB2: BP4, BP7

NM_015178.3(RHOBTB2):c.1314A>G (p.Leu438=)

Gene: RHOBTB2 (Rho related BTB domain containing 2; plus strand). Cytogenetic location: 8p21.3.
Variant type: single nucleotide variant.
Coding change: c.1314A>G on transcript NM_015178.3 (MANE Select); coding-DNA position 1314, A replaced by G.
Protein change: p.Leu438=; no amino-acid change (leucine 438 retained).
Molecular consequence: synonymous variant.
Genome position (GRCh38, 1-based): chr8:23,007,559, A>G. VCF-style: chr8-23007559-A-G. GRCh37 (hg19) VCF-style: chr8-22865072-A-G.
Other names: c.1380A>G, p.Leu460= (NM_001160036.2); c.1335A>G, p.Leu445= (NM_001160037.2); c.1314A>G, p.Leu438= (NM_001374791.1).
Identifiers: ClinVar variation 4873502 (VCV004873502.2).